The following is an entry in ClinVar:

ClinVar aggregate classification (germline): Uncertain significance (1 of 4 stars; one submission).

Conditions:
Arthrogryposis, renal dysfunction, and cholestasis 1 (ARCS1). Identifiers: Orphanet 2697, MedGen C1859722, MONDO:0008822, OMIM 208085.

Submission:

3billion
Classification: Uncertain significance for Arthrogryposis, renal dysfunction, and cholestasis 1. Last evaluated: 2025-11-25. Review status: criteria provided, single submitter. Criteria: ACMG Guidelines, 2015. Collection method: clinical testing. Allele origin: germline. Affected: yes.
Comment: The variant is not observed in the gnomAD v4.1.0 dataset. Predicted Consequence/Location: Missense variant. The majority of the known disease-causing variants of this gene are variants expected to result in premature termination of the protein. In silico tools predict the variant to alter splicing and produce an abnormal transcript [SpliceAI: 0.27 (>=0.2, moderate evidence for spliceogenicity)]. Therefore, this variant is classified as VUS according to the recommendation of ACMG/AMP guideline.

NM_018668.5(VPS33B):c.96G>C (p.Gln32His)

Gene: VPS33B (VPS33B late endosome and lysosome associated; minus strand). Cytogenetic location: 15q26.1.
Variant type: single nucleotide variant.
Coding change: c.96G>C on transcript NM_018668.5 (MANE Select); coding-DNA position 96, G replaced by C.
Protein change: p.Gln32His; replaces glutamine 32 with histidine.
Molecular consequence: missense variant. On other transcripts: 5 prime UTR variant (1).
Genome position (GRCh38, 1-based): chr15:91,022,154, C>G on the plus strand (G>C on the coding strand, the complement: VPS33B is on the minus strand). VCF-style: chr15-91022154-C-G. GRCh37 (hg19) VCF-style: chr15-91565384-C-G.
Other names: c.96G>C, p.Gln32His (NM_001289148.1); c.-116G>C (NM_001289149.1); short protein forms Q32H.
Identifiers: ClinVar variation 4854853 (VCV004854853.1).